The following is an entry in ClinVar:

NM_001365088.1(SLC12A6):c.2132G>T (p.Gly711Val)

Gene: SLC12A6 (solute carrier family 12 member 6; minus strand). Cytogenetic location: 15q14.
Variant type: single nucleotide variant.
Coding change: c.2132G>T on transcript NM_001365088.1 (MANE Select); coding-DNA position 2132, G replaced by T.
Protein change: p.Gly711Val; replaces glycine 711 with valine.
Molecular consequence: missense variant.
Genome position (GRCh38, 1-based): chr15:34,242,132, C>A on the plus strand (G>T on the coding strand, the complement: SLC12A6 is on the minus strand). VCF-style: chr15-34242132-C-A. GRCh37 (hg19) VCF-style: chr15-34534333-C-A.
Other names: c.1955G>T, p.Gly652Val (NM_001042494.2, NM_001042495.2); c.2105G>T, p.Gly702Val (NM_001042496.2); c.2087G>T, p.Gly696Val (NM_001042497.2); c.1979G>T, p.Gly660Val (NM_005135.2); c.2132G>T, p.Gly711Val (NM_133647.2); short protein forms G696V, G702V, G660V, G711V, G652V.
Identifiers: ClinVar variation 3714084 (VCV003714084.2).

ClinVar aggregate classification (germline): Uncertain significance (1 of 4 stars; one submission).

gnomAD v4.1: 8 of 1,592,224 alleles (0.0005%); highest among the groups gnomAD compares: African/African-American, 0.0013%; no homozygotes.

Submission:

Labcorp Genetics (formerly Invitae), Labcorp
Classification: Uncertain significance. Last evaluated: 2024-03-20. Review status: criteria provided, single submitter. Criteria: Invitae Variant Classification Sherloc (09022015). Collection method: clinical testing. Allele origin: germline.
Comment: This sequence change replaces glycine, which is neutral and non-polar, with valine, which is neutral and non-polar, at codon 711 of the SLC12A6 protein (p.Gly711Val). This variant is not present in population databases (gnomAD no frequency). This variant has not been reported in the literature in individuals affected with SLC12A6-related conditions. Advanced modeling of protein sequence and biophysical properties (such as structural, functional, and spatial information, amino acid conservation, physicochemical variation, residue mobility, and thermodynamic stability) performed at Invitae indicates that this missense variant is not expected to disrupt SLC12A6 protein function with a negative predictive value of 80%. In summary, the available evidence is currently insufficient to determine the role of this variant in disease. Therefore, it has been classified as a Variant of Uncertain Significance.